The following is an entry in ClinVar:

ClinVar aggregate classification (germline): Uncertain significance. Review status: criteria provided, multiple submitters, no conflicts (2 of 4 stars). 2 submissions from 2 submitters: Uncertain significance (2). Last evaluated 2022-04-03.

Conditions:
Brugada syndrome 5 (BRGDA5). Identifiers: Orphanet 130, Orphanet 871, MedGen C2748541, MONDO:0013015, OMIM 612838.

Allele frequency attached by ClinVar (database versions not stated): gnomAD exomes below 0.00001.
gnomAD v4.1: 5 of 1,549,174 alleles (0.00032%); highest among the groups gnomAD compares: South Asian, 0.0012%; no homozygotes.

Submissions (2):

Labcorp Genetics (formerly Invitae), Labcorp
Classification: Uncertain significance for Brugada syndrome 5. Last evaluated: 2022-04-03. Review status: criteria provided, single submitter. Criteria: Invitae Variant Classification Sherloc (09022015). Collection method: clinical testing. Allele origin: germline.
Comment: This sequence change replaces cysteine, which is neutral and slightly polar, with tyrosine, which is neutral and polar, at codon 243 of the SCN1B protein (p.Cys243Tyr). This variant is present in population databases (no rsID available, gnomAD 0.004%). This variant has not been reported in the literature in individuals affected with SCN1B-related conditions. Algorithms developed to predict the effect of missense changes on protein structure and function output the following: SIFT: "Deleterious"; PolyPhen-2: "Benign"; Align-GVGD: "Class C0". The tyrosine amino acid residue is found in multiple mammalian species, which suggests that this missense change does not adversely affect protein function. In summary, the available evidence is currently insufficient to determine the role of this variant in disease. Therefore, it has been classified as a Variant of Uncertain Significance.

Blueprint Genetics
Classification: Uncertain significance. Last evaluated: 2017-06-27. Review status: criteria provided, single submitter. Criteria: ACMG Guidelines, 2015. Collection method: clinical testing. Allele origin: germline.

NM_001037.5(SCN1B):c.448+280G>A

Gene: SCN1B (sodium voltage-gated channel beta subunit 1; plus strand). Cytogenetic location: 19q13.11.
Variant type: single nucleotide variant.
Coding change: c.448+280G>A on transcript NM_001037.5 (MANE Select); 280 bases into the intron after coding-DNA position 448, G replaced by A.
Molecular consequence: intron variant. On other transcripts: missense variant (1).
Genome position (GRCh38, 1-based): chr19:35,034,019, G>A. VCF-style: chr19-35034019-G-A. GRCh37 (hg19) VCF-style: chr19-35524923-G-A.
Other names: c.728G>A, p.Cys243Tyr (NM_199037.5); c.349+280G>A (NM_001321605.2); short protein forms C243Y.
Identifiers: ClinVar variation 2155076 (VCV002155076.5), dbSNP rs1323687057, ClinGen allele CA405329732.
Genomic context (GRCh38, chr19:35,034,019, plus strand): 5'-ACAGACGCTCCGGGTACAGAACCCAGCTCTGTCACCTGTGCTGTATGACCTCTGGCAGGT[G>A]CCTTCTGTCTCTGAGCCAAAGGGTTGTCCTGGGCTTGCCCGGGATAATAATCCGATGTGT-3'